The following is an entry in ClinVar:

ClinVar aggregate classification (germline): Pathogenic (1 of 4 stars; one submission).

Conditions:
Tatton-Brown-Rahman overgrowth syndrome. Also called: Tatton-Brown-Rahman syndrome; Tall stature-intellectual disability-facial dysmorphism syndrome. Identifiers: Orphanet 404443, MedGen C4014545, MONDO:0014382, OMIM 615879.

Submission:

Labcorp Genetics (formerly Invitae), Labcorp
Classification: Pathogenic for Tatton-Brown-Rahman overgrowth syndrome. Last evaluated: 2024-01-24. Review status: criteria provided, single submitter. Criteria: Invitae Variant Classification Sherloc (09022015). Collection method: clinical testing. Allele origin: germline.
Comment: This sequence change creates a premature translational stop signal (p.Leu504Trpfs*147) in the DNMT3A gene. It is expected to result in an absent or disrupted protein product. Loss-of-function variants in DNMT3A are known to be pathogenic (PMID: 24614070). This variant is not present in population databases (gnomAD no frequency). This variant has not been reported in the literature in individuals affected with DNMT3A-related conditions. ClinVar contains an entry for this variant (Variation ID: 541936). For these reasons, this variant has been classified as Pathogenic.

Literature cited by the submitters: PubMed 24614070.

NM_022552.5(DNMT3A):c.1510del (p.Leu504fs)

Gene: DNMT3A (DNA methyltransferase 3 alpha; minus strand). Cytogenetic location: 2p23.3.
Variant type: Deletion.
Coding change: c.1510del on transcript NM_022552.5 (MANE Select); coding-DNA position 1510, one base deleted (C; older notation c.1510delC).
Protein change: p.Leu504fs; shifts the reading frame from leucine 504.
Molecular consequence: frameshift variant. On other transcripts: non-coding transcript variant (1).
Genome position (GRCh38, 1-based): chr2:25,245,297, G deleted on the plus strand (C on the coding strand, the reverse complement: DNMT3A is on the minus strand); the first of 3 consecutive G bases (chr2:25,245,297-25,245,299); deleting any one gives the same sequence. VCF-style (leftmost placement, unchanged base first): chr2-25245296-AG-A. GRCh37 (hg19) VCF-style: chr2-25468165-AG-A.
Other names: c.1510delC (NM_175629.2); c.1054del, p.Leu352fs (NM_001320893.1); c.841del, p.Leu281fs (NM_001375819.1); c.943del, p.Leu315fs (NM_153759.3); c.1510del, p.Leu504fs (NM_175629.2); short protein forms L315fs, L352fs, L504fs, L281fs.
Identifiers: ClinVar variation 541936 (VCV000541936.7), dbSNP rs1553412880, ClinGen allele CA658795683.
Genomic context (GRCh38, chr2:25,245,296, plus strand): 5'-GGTGGGTGTGCTCCTACCTTGCAGTTTTGGCACATTCCTCCAACGAAGAGGGGGTGTTCC[AG>A]GGTAACATTGAGGCTCCCACAGGAGATGCAGATGTCTGGAAAGCAGAGGGAGGGGATGGG-3'